The following is an entry in ClinVar:

NM_001277313.2(FMN1):c.1867+1272_1867+1654del

Gene: FMN1 (formin 1; minus strand). Cytogenetic location: 15q13.3.
Variant type: Deletion.
Coding change: c.1867+1272_1867+1654del on transcript NM_001277313.2 (MANE Select); bases 1272 to 1654 of the intron after coding-DNA position 1867, 383 bases deleted.
Molecular consequence: intron variant.
Genome position (GRCh38, 1-based): chr15:33,151,394-33,151,776, 383 bases deleted. GRCh37 (hg19): chr15:33,443,596-33,443,978.
Other names: c.1868-397_1868-15del (NM_001277314.2).
Identifiers: ClinVar variation 2820580 (VCV002820580.3), dbSNP rs2505942145, ClinGen allele CA2739278384.

ClinVar aggregate classification (germline): Uncertain significance (1 of 4 stars; one submission).

Submission:

Labcorp Genetics (formerly Invitae), Labcorp
Classification: Uncertain significance. Last evaluated: 2025-12-28. Review status: criteria provided, single submitter. Criteria: Invitae Variant Classification Sherloc (09022015). Collection method: clinical testing. Allele origin: germline.
Comment: The FMN1 gene has multiple clinically relevant transcripts. This variant occurs in alternate transcript NM_001277314.1, and corresponds to NM_001103184.3:c.-83892_-83510del in the primary transcript. This sequence change falls in intron 4 of the FMN1 gene. It does not directly change the encoded amino acid sequence of the FMN1 protein. This variant is not present in population databases (gnomAD no frequency). This variant has not been reported in the literature in individuals affected with FMN1-related conditions. Experimental studies and prediction algorithms are not available or were not evaluated, and the effect of this variant on mRNA splicing is currently unknown. In summary, the available evidence is currently insufficient to determine the role of this variant in disease. Therefore, it has been classified as a Variant of Uncertain Significance.